The following is an entry in ClinVar:

NM_144672.4(OTOA):c.790_791dup (p.Met265fs)

Gene: OTOA (otoancorin). Cytogenetic location: 16p12.2.
Variant type: Duplication.
Coding change: c.790_791dup on transcript NM_144672.4 (MANE Select); coding-DNA positions 790 to 791, 2 bases duplicated.
Protein change: p.Met265fs; shifts the reading frame from methionine 265.
Molecular consequence: frameshift variant.
Genome position: GRCh38 VCF-style: chr16-21697823-G-GAT. GRCh37 (hg19) VCF-style: chr16-21709144-G-GAT.
Other names: c.553_554dup, p.Met186fs (NM_001161683.2); short protein forms M186fs, M265fs.
Identifiers: ClinVar variation 5001377 (VCV005001377.1).

ClinVar aggregate classification (germline): Likely pathogenic (1 of 4 stars; one submission).

Conditions:
OTOA-related disorder. Also called: OTOA-related condition.

Submission:

PreventionGenetics, part of Exact Sciences
Classification: Likely pathogenic for OTOA-related condition. Last evaluated: 2025-02-06. Review status: criteria provided, single submitter. Criteria: ACMG Guidelines, 2015. Collection method: clinical testing. Allele origin: germline.
Comment: The OTOA c.790_791dupTA variant is predicted to result in a frameshift and premature protein termination (p.Met265Thrfs*16). To our knowledge, this variant has not been reported in the literature or in a large population database (gnomAD), indicating this variant is rare. Frameshift variants in OTOA are expected to be pathogenic. This variant is interpreted as likely pathogenic.